The following is an entry in ClinVar:

ClinVar aggregate classification (germline): Uncertain significance (1 of 4 stars; one submission).

gnomAD v4.1: 1 of 1,614,184 alleles (0.000062%); highest among the groups gnomAD compares: Non-Finnish European, 0.000085%; no homozygotes.

Submission:

Ambry Genetics
Classification: Uncertain significance. Last evaluated: 2026-02-16. Review status: criteria provided, single submitter. Criteria: Ambry Variant Classification Scheme 2023. Collection method: clinical testing. Allele origin: germline.
Comment: The p.S359F variant (also known as c.1076C>T), located in coding exon 6 of the GALNT12 gene, results from a C to T substitution at nucleotide position 1076. The serine at codon 359 is replaced by phenylalanine, an amino acid with highly dissimilar properties. This amino acid position is conserved. In addition, this alteration is predicted to be deleterious by in silico analysis. Based on the available evidence, the clinical significance of this variant remains unclear.

NM_024642.5(GALNT12):c.1076C>T (p.Ser359Phe)

Gene: GALNT12 (polypeptide N-acetylgalactosaminyltransferase 12; plus strand). Cytogenetic location: 9q22.33.
Variant type: single nucleotide variant.
Coding change: c.1076C>T on transcript NM_024642.5 (MANE Select); coding-DNA position 1076, C replaced by T.
Protein change: p.Ser359Phe; replaces serine 359 with phenylalanine.
Molecular consequence: missense variant.
Genome position (GRCh38, 1-based): chr9:98,837,012, C>T. VCF-style: chr9-98837012-C-T. GRCh37 (hg19) VCF-style: chr9-101599294-C-T.
Other names: short protein forms S359F.
Identifiers: ClinVar variation 4824653 (VCV004824653.1).